The following is an entry in ClinVar:

ClinVar aggregate classification (germline): Conflicting classifications of pathogenicity. Review status: criteria provided, conflicting classifications (1 of 4 stars). 4 submissions from 4 submitters: Uncertain significance (3); Likely benign (1). Last evaluated 2025-06-09.

Conditions:
Inborn genetic diseases. Identifiers: MedGen C0950123, MeSH D030342.
Ornithine carbamoyltransferase deficiency (OTCD). Also called: OTC DEFICIENCY; ORNITHINE TRANSCARBAMYLASE DEFICIENCY; Ornithine Carbamoyltransferase Deficiency Disease; ORNITHINE TRANSCARBAMYLASE DEFICIENCY, HYPERAMMONEMIA DUE TO. Identifiers: Orphanet 664, MedGen C0268542, MONDO:0010703, OMIM 311250.

Allele frequency attached by ClinVar (database versions not stated): gnomAD 0.00001; gnomAD exomes 0.00001; TOPMed 0.00003; ESP Exome Variant Server 0.00009.
gnomAD v4.1: 7 of 1,195,465 alleles (0.00059%); highest among the groups gnomAD compares: Non-Finnish European, 0.00079%; no homozygotes.

Submissions (4):

Color Diagnostics, LLC DBA Color Health
Classification: Uncertain significance for Ornithine carbamoyltransferase deficiency. Last evaluated: 2025-06-09. Review status: criteria provided, single submitter. Criteria: ACMG Guidelines, 2015. Collection method: clinical testing. Allele origin: germline.
Comment: This missense variant replaces arginine with glutamine at codon 23 of the OTC protein. Computational prediction is inconclusive regarding the impact of this variant on protein structure and function. To our knowledge, functional studies have not been reported for this variant. This variant has not been reported in individuals affected with ornithine carbamoyltransferase deficiency in the literature. This variant has been identified in 1/182931 chromosomes in the general population by the Genome Aggregation Database (gnomAD). The available evidence is insufficient to determine the role of this variant in disease conclusively. Therefore, this variant is classified as a Variant of Uncertain Significance.

Labcorp Genetics (formerly Invitae), Labcorp
Classification: Likely benign for Ornithine carbamoyltransferase deficiency. Last evaluated: 2025-01-07. Review status: criteria provided, single submitter. Criteria: Invitae Variant Classification Sherloc (09022015). Collection method: clinical testing. Allele origin: germline.

Ambry Genetics
Classification: Uncertain significance for Inborn genetic diseases. Last evaluated: 2023-12-20. Review status: criteria provided, single submitter. Criteria: Ambry Variant Classification Scheme 2023. Collection method: clinical testing. Allele origin: germline.

Institute of Human Genetics, Clinical Exome/Genome Diagnostics Group, University Hospital Bonn
Classification: Uncertain significance for Ornithine carbamoyltransferase deficiency. Last evaluated: 2022-08-23. Review status: criteria provided, single submitter. Criteria: ACMG Guidelines, 2015. Collection method: clinical testing. Allele origin: germline. Affected: yes.

NM_000531.6(OTC):c.68G>A (p.Arg23Gln)

Gene: OTC (ornithine transcarbamylase; plus strand). Cytogenetic location: Xp11.4.
Variant type: single nucleotide variant.
Coding change: c.68G>A on transcript NM_000531.6 (MANE Select); coding-DNA position 68, G replaced by A.
Protein change: p.Arg23Gln; replaces arginine 23 with glutamine.
Molecular consequence: missense variant.
Genome position (GRCh38, 1-based): chrX:38,352,764, G>A. VCF-style: chrX-38352764-G-A. GRCh37 (hg19) VCF-style: chrX-38212017-G-A.
Other names: short protein forms R23Q.
Identifiers: ClinVar variation 1595975 (VCV001595975.10), dbSNP rs148660170, ClinGen allele CA327916977.